The following is an entry in ClinVar:

NM_006662.3(SRCAP):c.5390C>T (p.Thr1797Ile)

Gene: SRCAP (Snf2 related CREBBP activator protein; plus strand). Cytogenetic location: 16p11.2.
Variant type: single nucleotide variant.
Coding change: c.5390C>T on transcript NM_006662.3 (MANE Select); coding-DNA position 5390, C replaced by T.
Protein change: p.Thr1797Ile; replaces threonine 1797 with isoleucine.
Molecular consequence: missense variant.
Genome position (GRCh38, 1-based): chr16:30,724,814, C>T. VCF-style: chr16-30724814-C-T. GRCh37 (hg19) VCF-style: chr16-30736135-C-T.
Other names: c.5390C>T (NM_006662.2); short protein forms T1797I.
Identifiers: ClinVar variation 2185801 (VCV002185801.5), dbSNP rs373922349, ClinGen allele CA8011959.

ClinVar aggregate classification (germline): Uncertain significance. Review status: criteria provided, single submitter (1 of 4 stars). 2 submissions from 2 submitters: Uncertain significance (1). 1 of the submissions does not count toward it. Last evaluated 2025-09-09.

Conditions:
SRCAP-related disorder. Also called: SRCAP-related condition.

Allele frequency attached by ClinVar (database versions not stated): gnomAD exomes 0.00001; ExAC 0.00006; ESP Exome Variant Server 0.00008; gnomAD 0.00012; TOPMed 0.00013.
gnomAD v4.1: 36 of 1,613,726 alleles (0.0022%); highest among the groups gnomAD compares: African/African-American, 0.044%; no homozygotes.

Submissions (2):

Labcorp Genetics (formerly Invitae), Labcorp
Classification: Uncertain significance. Last evaluated: 2025-09-09. Review status: criteria provided, single submitter. Criteria: Invitae Variant Classification Sherloc (09022015). Collection method: clinical testing. Allele origin: germline.
Comment: This sequence change replaces threonine, which is neutral and polar, with isoleucine, which is neutral and non-polar, at codon 1797 of the SRCAP protein (p.Thr1797Ile). This variant is present in population databases (rs373922349, gnomAD 0.04%). This variant has not been reported in the literature in individuals affected with SRCAP-related conditions. ClinVar contains an entry for this variant (Variation ID: 2185801). Invitae Evidence Modeling of protein sequence and biophysical properties (such as structural, functional, and spatial information, amino acid conservation, physicochemical variation, residue mobility, and thermodynamic stability) indicates that this missense variant is not expected to disrupt SRCAP protein function with a negative predictive value of 80%. In summary, the available evidence is currently insufficient to determine the role of this variant in disease. Therefore, it has been classified as a Variant of Uncertain Significance.

PreventionGenetics, part of Exact Sciences
Classification: Uncertain significance for SRCAP-related condition. Last evaluated: 2024-07-02. Review status: no assertion criteria provided. Collection method: clinical testing. Allele origin: germline. Not counted in ClinVar's aggregate classification.
Comment: The SRCAP c.5390C>T variant is predicted to result in the amino acid substitution p.Thr1797Ile. To our knowledge, this variant has not been reported in the literature. This variant is reported in 0.036% of alleles in individuals of African descent in gnomAD. Although we suspect that this variant may be benign, at this time, the clinical significance of this variant is uncertain due to the absence of conclusive functional and genetic evidence.